The following is an entry in ClinVar:

ClinVar aggregate classification (germline): Pathogenic. Review status: criteria provided, multiple submitters, no conflicts (2 of 4 stars). 3 submissions from 3 submitters: Pathogenic (3). Last evaluated 2026-04-01.

Conditions:
Neurofibromatosis, type 1 (NF1). Also called: NEUROFIBROMATOSIS, TYPE I, SOMATIC; VON RECKLINGHAUSEN DISEASE; Peripheral type neurofibromatosis; Neurofibromatosis, type I. Identifiers: Orphanet 636, MedGen C0027831, MONDO:0018975, OMIM 162200. Disease mechanism: loss of function.

Submissions (3):

Department of Genetics, Sultan Qaboos University Hospital
Classification: Pathogenic for Neurofibromatosis, type 1. Last evaluated: 2026-04-01. Review status: criteria provided, single submitter. Criteria: ACMG Guidelines, 2015. Collection method: clinical testing. Allele origin: germline. Affected: yes. Observed: 1 variant allele.
Comment: PVS1,PM2,PP5_Moderate

Myriad Genetics, Inc.
Classification: Pathogenic for Neurofibromatosis, type 1. Last evaluated: 2026-03-24. Review status: criteria provided, single submitter. Criteria: Myriad Autosomal Dominant, Autosomal Recessive and X-Linked Classification Criteria (2023). Collection method: clinical testing. Allele origin: unknown.
Comment: This variant is considered pathogenic. This variant occurs within a consensus splice junction and is predicted to result in abnormal mRNA splicing of either an out-of-frame exon or an in-frame exon necessary for protein stability and/or normal function. This variant has been reported in multiple individuals with clinical features of gene-specific disease [PMID: 36612057, 36760809, 37073110, 23399325, 40417234].

Labcorp Genetics (formerly Invitae), Labcorp
Classification: Pathogenic for Neurofibromatosis, type 1. Last evaluated: 2025-10-29. Review status: criteria provided, single submitter. Criteria: Invitae Variant Classification Sherloc (09022015). Collection method: clinical testing. Allele origin: germline.
Comment: This sequence change affects a donor splice site in intron 5 of the NF1 gene. It is expected to disrupt RNA splicing. Variants that disrupt the donor or acceptor splice site typically lead to a loss of protein function (PMID: 16199547), and loss-of-function variants in NF1 are known to be pathogenic (PMID: 10712197, 23913538). This variant is not present in population databases (gnomAD no frequency). Disruption of this splice site has been observed in individual(s) with neurofibromatosis type 1 (PMID: 31766501, 32575496). ClinVar contains an entry for this variant (Variation ID: 2982372). Algorithms developed to predict the effect of sequence changes on RNA splicing suggest that this variant may disrupt the consensus splice site. For these reasons, this variant has been classified as Pathogenic.

Literature cited by the submitters: PubMed 36612057 (cited by Myriad Genetics, Inc.); PubMed 36760809 (cited by Myriad Genetics, Inc.); PubMed 37073110 (cited by Myriad Genetics, Inc.); PubMed 23399325 (cited by Myriad Genetics, Inc.); PubMed 40417234 (cited by Myriad Genetics, Inc.); PubMed 16199547 (cited by Labcorp Genetics (formerly Invitae), Labcorp); PubMed 10712197 (cited by Labcorp Genetics (formerly Invitae), Labcorp); PubMed 23913538 (cited by Labcorp Genetics (formerly Invitae), Labcorp); PubMed 31766501 (cited by Labcorp Genetics (formerly Invitae), Labcorp); PubMed 32575496 (cited by Labcorp Genetics (formerly Invitae), Labcorp).

NM_001042492.3(NF1):c.586+2T>G

Gene: NF1 (neurofibromin 1; plus strand). Cytogenetic location: 17q11.2.
Variant type: single nucleotide variant.
Coding change: c.586+2T>G on transcript NM_001042492.3 (MANE Select); the canonical splice donor site of the intron after coding-DNA position 586, T replaced by G.
Molecular consequence: splice donor variant.
Genome position (GRCh38, 1-based): chr17:31,169,999, T>G. VCF-style: chr17-31169999-T-G. GRCh37 (hg19) VCF-style: chr17-29497017-T-G.
Other names: c.586+2T>G (NM_000267.4, NM_001128147.3).
Identifiers: ClinVar variation 2982372 (VCV002982372.5), dbSNP rs1135402791, ClinGen allele CA398985556.
Genomic context (GRCh38, chr17:31,169,999, plus strand): 5'-TATAGAATTGTTACAGTATATCAATGTGGATTGTGCAAAATTAAAACGACTCCTGAAGGG[T>G]AAGTTTAAATGTATAATATATCTGAAAAAAATCACTGGGTCAAAAACTAGTATCATGAAT-3'